The following is an entry in ClinVar:

NM_001287491.2(TET3):c.2658C>T (p.Arg886=)

Gene: TET3 (tet methylcytosine dioxygenase 3; plus strand). Cytogenetic location: 2p13.1.
Variant type: single nucleotide variant.
Coding change: c.2658C>T on transcript NM_001287491.2 (MANE Select); coding-DNA position 2658, C replaced by T.
Protein change: p.Arg886=; no amino-acid change (arginine 886 retained).
Molecular consequence: synonymous variant.
Genome position (GRCh38, 1-based): chr2:74,080,570, C>T. VCF-style: chr2-74080570-C-T. GRCh37 (hg19) VCF-style: chr2-74307697-C-T.
Other names: c.2379C>T, p.Arg793= (NM_001366022.1); c.2253C>T, p.Arg751= (NM_144993.1).
Identifiers: ClinVar variation 3048622 (VCV003048622.4), dbSNP rs202076712, ClinGen allele CA1718854.

ClinVar aggregate classification (germline): Likely benign. Review status: criteria provided, multiple submitters, no conflicts (2 of 4 stars). 3 submissions from 3 submitters: Likely benign (2). 1 of the submissions does not count toward it. Last evaluated 2026-08-01.

Conditions:
TET3-related disorder. Also called: TET3-Related Disease; TET3-related condition.

Allele frequency attached by ClinVar (database versions not stated): 1000 Genomes Project 30x 0.00016; 1000 Genomes Project 0.00020.
gnomAD v4.1: 631 of 1,612,724 alleles (0.039%); highest among the groups gnomAD compares: East Asian, 1.1%; 6 homozygotes.

Submissions (3):

CeGaT Center for Human Genetics Tuebingen
Classification: Likely benign. Last evaluated: 2026-08-01. Review status: criteria provided, single submitter. Criteria: CeGaT Center For Human Genetics Tuebingen Variant Classification Criteria Version 2. Collection method: clinical testing. Allele origin: germline. Affected: yes. Observed: 1 variant allele.
Comment: TET3: BP4, BP7, BS1

Blueprint Genetics
Classification: Likely benign. Last evaluated: 2023-09-27. Review status: criteria provided, single submitter. Criteria: ACMG Guidelines, 2015. Collection method: clinical testing. Allele origin: germline.

PreventionGenetics, part of Exact Sciences
Classification: Likely benign for TET3-related condition. Last evaluated: 2019-12-18. Review status: no assertion criteria provided. Collection method: clinical testing. Allele origin: germline. Not counted in ClinVar's aggregate classification.
Comment: This variant is classified as likely benign based on ACMG/AMP sequence variant interpretation guidelines (Richards et al. 2015 PMID: 25741868, with internal and published modifications).